The following is an entry in ClinVar:

ClinVar aggregate classification (germline): Uncertain significance (1 of 4 stars; one submission).

Allele frequency attached by ClinVar (database versions not stated): ExAC 0.00001; gnomAD 0.00001; gnomAD exomes 0.00001; TOPMed 0.00005; ESP Exome Variant Server 0.00008.
gnomAD v4.1: 13 of 1,608,722 alleles (0.00081%); highest among the groups gnomAD compares: East Asian, 0.0022%; no homozygotes.

Submission:

Labcorp Genetics (formerly Invitae), Labcorp
Classification: Uncertain significance. Last evaluated: 2022-03-01. Review status: criteria provided, single submitter. Criteria: Invitae Variant Classification Sherloc (09022015). Collection method: clinical testing. Allele origin: germline.
Comment: In summary, the available evidence is currently insufficient to determine the role of this variant in disease. Therefore, it has been classified as a Variant of Uncertain Significance. Algorithms developed to predict the effect of missense changes on protein structure and function output the following: SIFT: "Not Available"; PolyPhen-2: "Benign"; Align-GVGD: "Not Available". The glutamine amino acid residue is found in multiple mammalian species, which suggests that this missense change does not adversely affect protein function. This variant has not been reported in the literature in individuals affected with MYO18B-related conditions. This variant is present in population databases (rs369047566, gnomAD 0.003%). This sequence change replaces arginine, which is basic and polar, with glutamine, which is neutral and polar, at codon 65 of the MYO18B protein (p.Arg65Gln).

NM_032608.7(MYO18B):c.194G>A (p.Arg65Gln)

Gene: MYO18B (myosin XVIIIB; plus strand). Cytogenetic location: 22q12.1.
Variant type: single nucleotide variant.
Coding change: c.194G>A on transcript NM_032608.7 (MANE Select); coding-DNA position 194, G replaced by A.
Protein change: p.Arg65Gln; replaces arginine 65 with glutamine.
Molecular consequence: missense variant.
Genome position (GRCh38, 1-based): chr22:25,763,385, G>A. VCF-style: chr22-25763385-G-A. GRCh37 (hg19) VCF-style: chr22-26159352-G-A.
Other names: c.194G>A, p.Arg65Gln (NM_001318245.2); short protein forms R65Q.
Identifiers: ClinVar variation 1366039 (VCV001366039.7), dbSNP rs369047566, ClinGen allele CA10159513.